The following is an entry in ClinVar:

ClinVar aggregate classification (germline): Uncertain significance. Review status: criteria provided, multiple submitters, no conflicts (2 of 4 stars). 3 submissions from 3 submitters: Uncertain significance (3). Last evaluated 2025-11-24.

Conditions:
Inborn genetic diseases. Identifiers: MedGen C0950123, MeSH D030342.
Schimke immuno-osseous dysplasia (SIOD). Also called: Schimke Immunoosseous Dysplasia. Identifiers: Orphanet 1830, MedGen C0877024, MONDO:0009458, OMIM 242900.

Allele frequency attached by ClinVar (database versions not stated): TOPMed below 0.00001; ExAC 0.00001.
gnomAD v4.1: 6 of 1,613,740 alleles (0.00037%); highest among the groups gnomAD compares: Middle Eastern, 0.017%; no homozygotes.

Submissions (3):

Ambry Genetics
Classification: Uncertain significance for Inborn genetic diseases. Last evaluated: 2025-11-24. Review status: criteria provided, single submitter. Criteria: Ambry Variant Classification Scheme 2023. Collection method: clinical testing. Allele origin: germline.

Labcorp Genetics (formerly Invitae), Labcorp
Classification: Uncertain significance for Schimke immuno-osseous dysplasia. Last evaluated: 2024-04-18. Review status: criteria provided, single submitter. Criteria: Invitae Variant Classification Sherloc (09022015). Collection method: clinical testing. Allele origin: germline.
Comment: This sequence change replaces proline, which is neutral and non-polar, with leucine, which is neutral and non-polar, at codon 567 of the SMARCAL1 protein (p.Pro567Leu). This variant is not present in population databases (gnomAD no frequency). This variant has not been reported in the literature in individuals affected with SMARCAL1-related conditions. ClinVar contains an entry for this variant (Variation ID: 2287304). Advanced modeling of protein sequence and biophysical properties (such as structural, functional, and spatial information, amino acid conservation, physicochemical variation, residue mobility, and thermodynamic stability) performed at Invitae indicates that this missense variant is not expected to disrupt SMARCAL1 protein function with a negative predictive value of 80%. In summary, the available evidence is currently insufficient to determine the role of this variant in disease. Therefore, it has been classified as a Variant of Uncertain Significance.

Fulgent Genetics
Classification: Uncertain significance for Schimke immuno-osseous dysplasia. Last evaluated: 2024-04-16. Review status: criteria provided, single submitter. Criteria: ACMG Guidelines, 2015. Collection method: clinical testing. Allele origin: germline.

NM_014140.4(SMARCAL1):c.1700C>T (p.Pro567Leu)

Gene: SMARCAL1 (SNF2 related chromatin remodeling annealing helicase 1; plus strand). Cytogenetic location: 2q35.
Variant type: single nucleotide variant.
Coding change: c.1700C>T on transcript NM_014140.4 (MANE Select); coding-DNA position 1700, C replaced by T.
Protein change: p.Pro567Leu; replaces proline 567 with leucine.
Molecular consequence: missense variant.
Genome position (GRCh38, 1-based): chr2:216,438,475, C>T. VCF-style: chr2-216438475-C-T. GRCh37 (hg19) VCF-style: chr2-217303198-C-T.
Other names: c.1700C>T, p.Pro567Leu (NM_001127207.2); short protein forms P567L.
Identifiers: ClinVar variation 2287304 (VCV002287304.5), dbSNP rs775206136, ClinGen allele CA2097967.